The following is an entry in ClinVar:

NM_004646.4(NPHS1):c.294C>T (p.Ile98=)

Gene: NPHS1 (NPHS1 adhesion molecule, nephrin; minus strand). Cytogenetic location: 19q13.12.
Variant type: single nucleotide variant.
Coding change: c.294C>T on transcript NM_004646.4 (MANE Select); coding-DNA position 294, C replaced by T.
Protein change: p.Ile98=; no amino-acid change (isoleucine 98 retained).
Molecular consequence: synonymous variant.
Genome position (GRCh38, 1-based): chr19:35,851,365, G>A on the plus strand (C>T on the coding strand, the complement: NPHS1 is on the minus strand). VCF-style: chr19-35851365-G-A. GRCh37 (hg19) VCF-style: chr19-36342267-G-A.
Other names: p.Ile98=.
Identifiers: ClinVar variation 259492 (VCV000259492.21), dbSNP rs2285450, ClinGen allele CA9390854.
Genomic context (GRCh38, chr19:35,851,365, plus strand): 5'-CATCTCAGAGCGGCCGACCTGGCACTCATACTCCGCGTCATCGCTGAGGTCACAGGCCTC[G>A]ATGTGCAGGTGGAATTCACCTGCAGGGGGAGCCGGAAGTCAGGGCCGCAGCTTCCGCTGG-3'
Protein context (NP_004637.1, residues 88-108): DPARGEFHLH[Ile98=]EACDLSDDAE

ClinVar aggregate classification (germline): Benign. Review status: criteria provided, multiple submitters, no conflicts (2 of 4 stars). 8 submissions from 8 submitters: Benign (7). 1 of the submissions does not count toward it. Last evaluated 2026-02-04.

Conditions:
Congenital nephrotic syndrome. Also called: Familial nephrotic syndrome. Identifiers: MedGen C3501848, MeSH C535761, MONDO:0002350, HP:0008677.
Finnish congenital nephrotic syndrome (NPHS1). Also called: NEPHROTIC SYNDROME, TYPE 1. Identifiers: Orphanet 839, MedGen C0403399, MONDO:0009732, OMIM 256300.

Allele frequency attached by ClinVar (database versions not stated): ESP Exome Variant Server 0.04167; TOPMed 0.04719; 1000 Genomes Project 30x 0.07277; 1000 Genomes Project 0.07308; gnomAD exomes 0.00911 and 0.02169; ExAC 0.02450; gnomAD 0.04138 and 0.04157.
gnomAD v4.1: 20,111 of 1,613,202 alleles (1.2%); highest among the groups gnomAD compares: East Asian, 15%; 1,183 homozygotes.

Submissions (8):

Labcorp Genetics (formerly Invitae), Labcorp
Classification: Benign. Last evaluated: 2026-02-04. Review status: criteria provided, single submitter. Criteria: Invitae Variant Classification Sherloc (09022015). Collection method: clinical testing. Allele origin: germline.

Blueprint Genetics
Classification: Benign. Last evaluated: 2024-11-27. Review status: criteria provided, single submitter. Criteria: ACMG Guidelines, 2015. Collection method: clinical testing. Allele origin: germline.

Mayo Clinic Laboratories, Mayo Clinic
Classification: Benign. Last evaluated: 2023-04-20. Review status: criteria provided, single submitter. Criteria: ACMG Guidelines, 2015. Collection method: clinical testing. Allele origin: germline. Observed: 14 variant alleles.
Comment: BA1, BS2, BP4, BP7

GeneDx
Classification: Benign. Last evaluated: 2019-12-23. Review status: criteria provided, single submitter. Criteria: GeneDx Variant Classification Process June 2021. Collection method: clinical testing. Allele origin: germline. Affected: yes.
Comment: This variant is associated with the following publications: (PMID: 26147534)

Illumina Laboratory Services, Illumina
Classification: Benign for Congenital nephrotic syndrome. Last evaluated: 2018-01-13. Review status: criteria provided, single submitter. Criteria: ICSL Variant Classification Criteria 13 December 2019. Collection method: clinical testing. Allele origin: germline.
Comment: This variant was observed in the ICSL laboratory as part of a predisposition screen in an ostensibly healthy population. It had not been previously curated by ICSL or reported in the Human Gene Mutation Database (HGMD: prior to June 1st, 2018), and was therefore a candidate for classification through an automated scoring system. Utilizing variant allele frequency, disease prevalence and penetrance estimates, and inheritance mode, an automated score was calculated to assess if this variant is too frequent to cause the disease. Based on the score and internal cut-off values, a variant classified as benign is not then subjected to further curation. The score for this variant resulted in a classification of benign for this disease.

Breakthrough Genomics
Classification: Benign. Review status: criteria provided, single submitter. Criteria: ACMG Guidelines, 2015. Collection method: not provided. Allele origin: germline. Inheritance: Autosomal recessive inheritance. Affected: yes.

PreventionGenetics, part of Exact Sciences
Classification: Benign. Review status: criteria provided, single submitter. Criteria: ACMG Guidelines, 2015. Collection method: clinical testing. Allele origin: germline.

Natera, Inc.
Classification: Benign for Finnish congenital nephrotic syndrome. Last evaluated: 2019-11-25. Review status: no assertion criteria provided. Collection method: clinical testing. Allele origin: germline. Not counted in ClinVar's aggregate classification.

Literature cited by the submitters: PubMed 26147534 (cited by Mayo Clinic Laboratories, Mayo Clinic).